The following is an entry in ClinVar:

ClinVar aggregate classification (germline): Uncertain significance (1 of 4 stars; one submission).

Submission:

Women's Health and Genetics/Laboratory Corporation of America, LabCorp
Classification: Uncertain significance. Last evaluated: 2025-07-30. Review status: criteria provided, single submitter. Criteria: LabCorp Variant Classification Summary - May 2015. Collection method: clinical testing. Allele origin: germline.
Comment: Variant summary: SEPTIN9 c.42G>T (p.Glu14Asp) results in a conservative amino acid change in the encoded protein sequence. Algorithms developed to predict the effect of missense changes on protein structure and function are either unavailable or do not agree on the potential impact of this missense change. The variant was absent in 1075564 control chromosomes. The available data on variant occurrences in the general population are insufficient to allow any conclusion about variant significance. To our knowledge, no occurrence of c.42G>T in individuals affected with Amyotrophic neuralgia and no experimental evidence demonstrating its impact on protein function have been reported. No submitters have cited clinical-significance assessments for this variant to ClinVar. Based on the evidence outlined above, the variant was classified as uncertain significance.

NM_001113491.2(SEPTIN9):c.96G>T (p.Glu32Asp)

Gene: SEPTIN9 (septin 9; plus strand). Cytogenetic location: 17q25.3.
Variant type: single nucleotide variant.
Coding change: c.96G>T on transcript NM_001113491.2 (MANE Select); coding-DNA position 96, G replaced by T.
Protein change: p.Glu32Asp; replaces glutamic acid 32 with aspartic acid.
Molecular consequence: missense variant. On other transcripts: 5 prime UTR variant (2).
Genome position (GRCh38, 1-based): chr17:77,402,078, G>T. VCF-style: chr17-77402078-G-T. GRCh37 (hg19) VCF-style: chr17-75398160-G-T.
Other names: c.-397G>T (NM_001113492.2, NM_001113494.1); c.75G>T, p.Glu25Asp (NM_001113493.2); c.39G>T, p.Glu13Asp (NM_001293695.2); c.42G>T, p.Glu14Asp (NM_006640.5); short protein forms E13D, E14D, E25D, E32D.
Identifiers: ClinVar variation 4525869 (VCV004525869.1).